The following is an entry in ClinVar:

ClinVar aggregate classification (germline): Uncertain significance. Review status: criteria provided, multiple submitters, no conflicts (2 of 4 stars). 2 submissions from 2 submitters: Uncertain significance (2). Last evaluated 2023-08-24.

Conditions:
Familial thoracic aortic aneurysm and aortic dissection (TAAD). Also called: Thoracic aortic aneurysms and dissections. Identifiers: Orphanet 91387, MedGen C4707243, MONDO:0019625.

Submissions (2):

Labcorp Genetics (formerly Invitae), Labcorp
Classification: Uncertain significance for Familial thoracic aortic aneurysm and aortic dissection. Last evaluated: 2023-08-24. Review status: criteria provided, single submitter. Criteria: Invitae Variant Classification Sherloc (09022015). Collection method: clinical testing. Allele origin: germline.
Comment: In summary, the available evidence is currently insufficient to determine the role of this variant in disease. Therefore, it has been classified as a Variant of Uncertain Significance. Advanced modeling of protein sequence and biophysical properties (such as structural, functional, and spatial information, amino acid conservation, physicochemical variation, residue mobility, and thermodynamic stability) performed at Invitae indicates that this missense variant is expected to disrupt TGFBR1 protein function. ClinVar contains an entry for this variant (Variation ID: 1754355). This variant has not been reported in the literature in individuals affected with TGFBR1-related conditions. This variant is not present in population databases (gnomAD no frequency). This sequence change replaces tryptophan, which is neutral and slightly polar, with glycine, which is neutral and non-polar, at codon 220 of the TGFBR1 protein (p.Trp220Gly).

Ambry Genetics
Classification: Uncertain significance for Familial thoracic aortic aneurysm and aortic dissection. Last evaluated: 2021-05-24. Review status: criteria provided, single submitter. Criteria: Ambry Variant Classification Scheme 2023. Collection method: clinical testing. Allele origin: germline.
Comment: The p.W220G variant (also known as c.658T>G), located in coding exon 4 of the TGFBR1 gene, results from a T to G substitution at nucleotide position 658. The tryptophan at codon 220 is replaced by glycine, an amino acid with highly dissimilar properties. This amino acid position is highly conserved in available vertebrate species. In addition, this alteration is predicted to be deleterious by in silico analysis. Since supporting evidence is limited at this time, the clinical significance of this alteration remains unclear.

NM_004612.4(TGFBR1):c.658T>G (p.Trp220Gly)

Gene: TGFBR1 (transforming growth factor beta receptor 1; plus strand). Cytogenetic location: 9q22.33.
Variant type: single nucleotide variant.
Coding change: c.658T>G on transcript NM_004612.4 (MANE Select); coding-DNA position 658, T replaced by G.
Protein change: p.Trp220Gly; replaces tryptophan 220 with glycine.
Molecular consequence: missense variant.
Genome position (GRCh38, 1-based): chr9:99,137,942, T>G. VCF-style: chr9-99137942-T-G. GRCh37 (hg19) VCF-style: chr9-101900224-T-G.
Other names: c.427T>G, p.Trp143Gly (NM_001130916.3); c.670T>G, p.Trp224Gly (NM_001306210.2, NM_001407416.1); c.658T>G, p.Trp220Gly (NM_001407417.1); c.463T>G, p.Trp155Gly (NM_001407418.1, NM_001407419.1, NM_001407420.1 and 1 more transcripts); c.451T>G, p.Trp151Gly (NM_001407423.1, NM_001407424.1, NM_001407425.1 and 8 more transcripts); c.412T>G, p.Trp138Gly (NM_001407436.1); c.181T>G, p.Trp61Gly (NM_001407438.1); short protein forms W143G, W138G, W224G, W151G, W155G, W220G, W61G.
Identifiers: ClinVar variation 1754355 (VCV001754355.7), dbSNP rs2490188295, ClinGen allele CA374229588.